The following is an entry in ClinVar:

NM_001083962.2(TCF4):c.990+1G>T

Gene: TCF4 (transcription factor 4; minus strand). Cytogenetic location: 18q21.2.
Variant type: single nucleotide variant.
Coding change: c.990+1G>T on transcript NM_001083962.2 (MANE Select); the canonical splice donor site of the intron after coding-DNA position 990, G replaced by T.
Molecular consequence: splice donor variant.
Genome position (GRCh38, 1-based): chr18:55,261,465, C>A on the plus strand (G>T on the coding strand, the complement: TCF4 is on the minus strand). VCF-style: chr18-55261465-C-A. GRCh37 (hg19) VCF-style: chr18-52928696-C-A.
Other names: c.1296+1G>T (NM_001243226.3); c.915+1G>T (NM_001369584.1, NM_001369576.1, NM_001369585.1 and 3 more transcripts); c.918+1G>T (NM_001369577.1, NM_001369582.1, NM_001243227.2 and 9 more transcripts); c.990+1G>T (NM_001369571.1, NM_001369567.1, NM_001369572.1 and 4 more transcripts); c.1008+1G>T (NM_001243228.2); c.984+1G>T (NM_001243230.2); c.987+1G>T (NM_001369569.1, NM_001369573.1, NM_001369570.1); c.864+1G>T (NM_001243231.2, NM_001348211.2); and 4 more.
Identifiers: ClinVar variation 1320266 (VCV001320266.1), dbSNP rs2145729217, ClinGen allele CA402535014.

ClinVar aggregate classification (germline): Pathogenic (1 of 4 stars; one submission).

Conditions:
Pitt-Hopkins syndrome (PTHS). Also called: ENCEPHALOPATHY, SEVERE EPILEPTIC, WITH AUTONOMIC DYSFUNCTION; MENTAL RETARDATION, SYNDROMAL, WITH INTERMITTENT HYPERVENTILATION. Identifiers: Orphanet 2896, MedGen C1970431, MONDO:0012589, OMIM 610954.

Submission:

3billion
Classification: Pathogenic for Pitt-Hopkins syndrome. Last evaluated: 2021-10-02. Review status: criteria provided, single submitter. Criteria: ACMG Guidelines, 2015. Collection method: clinical testing. Allele origin: germline. Affected: yes. Observed: 1 heterozygote.
Comment: Canonical splice site: predicted to alter splicing and result in a loss or disruption of normal protein function through nonsense-mediated decay (NMD) or protein truncation. Multiple pathogenic variants are reported downstream of the variant (PVS1_VS). It is not observed in the gnomAD v2.1.1 dataset (PM2). The variant was observed as assumed (i.e. paternity and maternity not confirmed) de novoo (3billion dataset, PM6). Therefore, this variant is classified pathogenic according to the recommendation of ACMG/AMP guideline.